The following is an entry in ClinVar:

NM_001105247.2(ARMC5):c.1676C>T (p.Pro559Leu)

Gene: ARMC5 (armadillo repeat containing 5; plus strand). Cytogenetic location: 16p11.2.
Variant type: single nucleotide variant.
Coding change: c.1676C>T on transcript NM_001105247.2 (MANE Select); coding-DNA position 1676, C replaced by T.
Protein change: p.Pro559Leu; replaces proline 559 with leucine.
Molecular consequence: missense variant.
Genome position (GRCh38, 1-based): chr16:31,464,699, C>T. VCF-style: chr16-31464699-C-T. GRCh37 (hg19) VCF-style: chr16-31476020-C-T.
Other names: c.1961C>T, p.Pro654Leu (NM_001288767.2); c.1772C>T, p.Pro591Leu (NM_001301820.1); c.1676C>T, p.Pro559Leu (NM_024742.2); c.1961C>T (NM_001288767.1); short protein forms P559L, P591L, P654L.
Identifiers: ClinVar variation 782788 (VCV000782788.6), dbSNP rs200115942, ClinGen allele CA8029757.

ClinVar aggregate classification (germline): Likely benign. Review status: criteria provided, single submitter (1 of 4 stars). 2 submissions from 2 submitters: Likely benign (1). 1 of the submissions does not count toward it. Last evaluated 2019-12-31.

Conditions:
ARMC5-related disorder. Also called: ARMC5-related condition.

Allele frequency attached by ClinVar (database versions not stated): 1000 Genomes Project 30x 0.00016; gnomAD exomes 0.00099 and 0.00156; TOPMed 0.00100; ESP Exome Variant Server 0.00103; gnomAD 0.00106 and 0.00122; ExAC 0.00113.
gnomAD v4.1: 2,393 of 1,598,602 alleles (0.15%); highest among the groups gnomAD compares: Non-Finnish European, 0.19%; no homozygotes.

Submissions (2):

Labcorp Genetics (formerly Invitae), Labcorp
Classification: Likely benign. Last evaluated: 2019-12-31. Review status: criteria provided, single submitter. Criteria: Invitae Variant Classification Sherloc (09022015). Collection method: clinical testing. Allele origin: germline.

PreventionGenetics, part of Exact Sciences
Classification: Likely benign for ARMC5-related condition. Last evaluated: 2022-04-28. Review status: no assertion criteria provided. Collection method: clinical testing. Allele origin: germline. Not counted in ClinVar's aggregate classification.
Comment: This variant is classified as likely benign based on ACMG/AMP sequence variant interpretation guidelines (Richards et al. 2015 PMID: 25741868, with internal and published modifications).